The following is an entry in ClinVar:

NM_001379500.1(COL18A1):c.3665G>A (p.Arg1222His)

Genes: SLC19A1 (solute carrier family 19 member 1; minus strand), COL18A1 (collagen type XVIII alpha 1 chain; plus strand). Cytogenetic location: 21q22.3.
Variant type: single nucleotide variant.
Coding change: c.3665G>A on transcript NM_001379500.1 (MANE Select); coding-DNA position 3665, G replaced by A.
Protein change: p.Arg1222His; replaces arginine 1222 with histidine.
Molecular consequence: missense variant.
Genome position (GRCh38, 1-based): chr21:45,510,233, G>A. VCF-style: chr21-45510233-G-A. GRCh37 (hg19) VCF-style: chr21-46930147-G-A.
Other names: NM_130445.2:c.3656G>A; c.4196G>A, p.Arg1399His (NM_030582.4); c.4901G>A, p.Arg1634His (NM_130444.3); c.4196G>A (NM_030582.3); short protein forms R1399H, R1634H, R1222H.
Identifiers: ClinVar variation 447129 (VCV000447129.18), dbSNP rs201006742, ClinGen allele CA10067996.

ClinVar aggregate classification (germline): Conflicting classifications of pathogenicity. Review status: criteria provided, conflicting classifications (1 of 4 stars). 6 submissions from 6 submitters: Uncertain significance (1); Benign (1); Likely benign (3). 1 of the submissions does not count toward it. Last evaluated 2026-01-19.

Conditions:
COL18A1-related disorder. Also called: COL18A1-related condition; COL18A1-related disorders.
Inborn genetic diseases. Identifiers: MedGen C0950123, MeSH D030342.

Allele frequency attached by ClinVar (database versions not stated): gnomAD 0.00202 and 0.00185; TOPMed 0.00223; gnomAD exomes 0.00065; ExAC 0.00123; ESP Exome Variant Server 0.00129; 1000 Genomes Project 30x 0.00172; 1000 Genomes Project 0.00180.
gnomAD v4.1: 1,133 of 1,606,156 alleles (0.071%); highest among the groups gnomAD compares: African/African-American, 0.57%; 1 homozygote.

Submissions (6):

Labcorp Genetics (formerly Invitae), Labcorp
Classification: Benign. Last evaluated: 2026-01-19. Review status: criteria provided, single submitter. Criteria: Invitae Variant Classification Sherloc (09022015). Collection method: clinical testing. Allele origin: germline.

GeneDx
Classification: Uncertain significance. Last evaluated: 2025-09-05. Review status: criteria provided, single submitter. Criteria: GeneDx Variant Classification Process June 2021. Collection method: clinical testing. Allele origin: germline. Affected: yes.
Comment: In silico analysis supports that this missense variant has a deleterious effect on protein structure/function; Has not been previously published as pathogenic or benign to our knowledge

Ambry Genetics
Classification: Likely benign for Inborn genetic diseases. Last evaluated: 2025-07-16. Review status: criteria provided, single submitter. Criteria: Ambry Variant Classification Scheme 2023. Collection method: clinical testing. Allele origin: germline.

Blueprint Genetics
Classification: Likely benign. Last evaluated: 2024-11-13. Review status: criteria provided, single submitter. Criteria: ACMG Guidelines, 2015. Collection method: clinical testing. Allele origin: germline.

Athena Diagnostics
Classification: Likely benign. Last evaluated: 2016-08-22. Review status: criteria provided, single submitter. Criteria: Athena Diagnostics Criteria. Collection method: clinical testing. Allele origin: germline.

PreventionGenetics, part of Exact Sciences
Classification: Likely benign for COL18A1-related condition. Last evaluated: 2020-06-24. Review status: no assertion criteria provided. Collection method: clinical testing. Allele origin: germline. Not counted in ClinVar's aggregate classification.
Comment: This variant is classified as likely benign based on ACMG/AMP sequence variant interpretation guidelines (Richards et al. 2015 PMID: 25741868, with internal and published modifications).